The following is an entry in ClinVar:

NM_012254.3(SLC27A5):c.1057+9A>T

Gene: SLC27A5 (solute carrier family 27 member 5; minus strand). Cytogenetic location: 19q13.43.
Variant type: single nucleotide variant.
Coding change: c.1057+9A>T on transcript NM_012254.3 (MANE Select); 9 bases into the intron after coding-DNA position 1057, A replaced by T.
Molecular consequence: intron variant.
Genome position (GRCh38, 1-based): chr19:58,509,838, T>A on the plus strand (A>T on the coding strand, the complement: SLC27A5 is on the minus strand). VCF-style: chr19-58509838-T-A. GRCh37 (hg19) VCF-style: chr19-59021205-T-A.
Other names: c.805+9A>T (NM_001321196.2).
Identifiers: ClinVar variation 739067 (VCV000739067.4), dbSNP rs1600044982, ClinGen allele CA915953080.

ClinVar aggregate classification (germline): Likely benign. Review status: criteria provided, multiple submitters, no conflicts (2 of 4 stars). 2 submissions from 2 submitters: Likely benign (2). Last evaluated 2025-01-06.

Conditions:
SLC27A5-related disorder. Also called: SLC27A5-related condition.

Allele frequency attached by ClinVar (database versions not stated): gnomAD exomes below 0.00001; gnomAD 0.00001; TOPMed 0.00002.
gnomAD v4.1: 3 of 1,607,846 alleles (0.00019%); highest among the groups gnomAD compares: Admixed American, 0.0017%; no homozygotes.

Submissions (2):

PreventionGenetics, part of Exact Sciences
Classification: Likely benign for SLC27A5-related condition. Last evaluated: 2025-01-06. Review status: criteria provided, single submitter. Criteria: ACMG Guidelines, 2015. Collection method: clinical testing. Allele origin: germline.
Comment: This variant is classified as likely benign based on ACMG/AMP sequence variant interpretation guidelines (Richards et al. 2015 PMID: 25741868, with internal and published modifications).

Labcorp Genetics (formerly Invitae), Labcorp
Classification: Likely benign. Last evaluated: 2018-03-29. Review status: criteria provided, single submitter. Criteria: Invitae Variant Classification Sherloc (09022015). Collection method: clinical testing. Allele origin: germline.